The following is an entry in ClinVar:

NM_153676.4(USH1C):c.579+1G>T

Gene: USH1C (USH1 protein network component harmonin; minus strand). Cytogenetic location: 11p15.1.
Variant type: single nucleotide variant.
Coding change: c.579+1G>T on transcript NM_153676.4 (MANE Select); the canonical splice donor site of the intron after coding-DNA position 579, G replaced by T.
Molecular consequence: splice donor variant.
Genome position (GRCh38, 1-based): chr11:17,526,752, C>A on the plus strand (G>T on the coding strand, the complement: USH1C is on the minus strand). VCF-style: chr11-17526752-C-A. GRCh37 (hg19) VCF-style: chr11-17548299-C-A.
Other names: c.579+1G>T (NM_005709.3, NM_001297764.2, NM_005709.4).
Identifiers: ClinVar variation 2833905 (VCV002833905.4), dbSNP rs1283092935, ClinGen allele CA379794063.
Genomic context (GRCh38, chr11:17,526,752, plus strand): 5'-CGGCCACCCCTCCTTGAAGATGACCCCACCCAAACCCCATCACAGGAGGTCTGGCCCTTA[C>A]CCCAGATTCCGACACAAACTGATCCACATACTGCCAAGTGAGGGGCTCATCAGGAGAGCT-3'

ClinVar aggregate classification (germline): Pathogenic. Review status: criteria provided, multiple submitters, no conflicts (2 of 4 stars). 2 submissions from 2 submitters: Pathogenic (2). Last evaluated 2025-05-21.

Conditions:
Usher syndrome type 1C. Also called: USHER SYNDROME, TYPE I, ACADIAN VARIETY. Identifiers: Orphanet 231169, Orphanet 886, MedGen C1848604, MONDO:0010171, OMIM 276904.

Allele frequency attached by ClinVar (database versions not stated): gnomAD exomes below 0.00001.
gnomAD v4.1: 1 of 1,614,022 alleles (0.000062%); highest among the groups gnomAD compares: Non-Finnish European, 0.000085%; no homozygotes.

Submissions (2):

Natera, Inc.
Classification: Pathogenic for Usher syndrome type 1C. Last evaluated: 2025-05-21. Review status: criteria provided, single submitter. Criteria: Natera Variant Classification Schema (03/2026). Collection method: clinical testing. Allele origin: germline.
Comment: The c.579+1G>T variant in USH1C is a canonical splice donor site variant predicted to affect pre-mRNA splicing, which may result in an abnormal transcript and altered protein product. This variant is expected to result in nonsense mediated decay, truncation, or a dysfunctional protein product. This variant is rare in the general population with a frequency below the threshold expected for the associated phenotype(s). Another variant at this same site results in an alteration predicted to cause a similar molecular effect has been observed in individual(s) with the associated phenotype. Given the available evidence, this variant is classified as Pathogenic.

Labcorp Genetics (formerly Invitae), Labcorp
Classification: Pathogenic. Last evaluated: 2023-02-02. Review status: criteria provided, single submitter. Criteria: Invitae Variant Classification Sherloc (09022015). Collection method: clinical testing. Allele origin: germline.
Comment: This sequence change affects a donor splice site in intron 7 of the USH1C gene. It is expected to disrupt RNA splicing. Variants that disrupt the donor or acceptor splice site typically lead to a loss of protein function (PMID: 16199547), and loss-of-function variants in USH1C are known to be pathogenic (PMID: 10973247, 17407589, 20301442, 21203349). This variant is not present in population databases (gnomAD no frequency). Disruption of this splice site has been observed in individual(s) with Usher syndrome (PMID: 29625443). In at least one individual the data is consistent with being in trans (on the opposite chromosome) from a pathogenic variant. Algorithms developed to predict the effect of sequence changes on RNA splicing suggest that this variant may disrupt the consensus splice site. For these reasons, this variant has been classified as Pathogenic.

Literature cited by the submitters: PubMed 16199547 (cited by Labcorp Genetics (formerly Invitae), Labcorp); PubMed 10973247 (cited by Labcorp Genetics (formerly Invitae), Labcorp); PubMed 17407589 (cited by Labcorp Genetics (formerly Invitae), Labcorp); PubMed 20301442 (cited by Labcorp Genetics (formerly Invitae), Labcorp); PubMed 21203349 (cited by Labcorp Genetics (formerly Invitae), Labcorp); PubMed 29625443 (cited by Labcorp Genetics (formerly Invitae), Labcorp).